The following is an entry in ClinVar:

NM_003482.4(KMT2D):c.14710C>T (p.Arg4904Ter)

Gene: KMT2D (lysine methyltransferase 2D; minus strand). Cytogenetic location: 12q13.12.
Variant type: single nucleotide variant.
Coding change: c.14710C>T on transcript NM_003482.4 (MANE Select); coding-DNA position 14710, C replaced by T.
Protein change: p.Arg4904Ter; replaces arginine 4904 with a stop codon.
Molecular consequence: nonsense.
Genome position (GRCh38, 1-based): chr12:49,027,256, G>A on the plus strand (C>T on the coding strand, the complement: KMT2D is on the minus strand). VCF-style: chr12-49027256-G-A. GRCh37 (hg19) VCF-style: chr12-49421039-G-A.
Other names: short protein forms R4904*.
Identifiers: ClinVar variation 94176 (VCV000094176.34), dbSNP rs398123721, ClinGen allele CA222020.

ClinVar aggregate classification (germline): Pathogenic. Review status: criteria provided, multiple submitters, no conflicts (2 of 4 stars). 10 submissions from 10 submitters: Pathogenic (9). 1 of the submissions does not count toward it. Last evaluated 2025-02-01.

Conditions:
KMT2D-related disorder. Also called: KMT2D-Related Disorders.
Kabuki syndrome. Also called: NIIKAWA-KUROKI SYNDROME; Kabuki make-up syndrome. Identifiers: Orphanet 2322, MedGen C0796004, MONDO:0016512.
Kabuki syndrome 1 (KABUK1). Also called: KMT2D-Related Kabuki Syndrome. Identifiers: Orphanet 2322, MedGen CN030661, MONDO:0007843, OMIM 147920.

Submissions (10):

CeGaT Center for Human Genetics Tuebingen
Classification: Pathogenic. Last evaluated: 2025-02-01. Review status: criteria provided, single submitter. Criteria: CeGaT Center For Human Genetics Tuebingen Variant Classification Criteria Version 2. Collection method: clinical testing. Allele origin: germline. Affected: yes. Observed: 1 variant allele.
Comment: KMT2D: PVS1, PM2, PS4:Moderate

PreventionGenetics, part of Exact Sciences
Classification: Pathogenic for KMT2D-related condition. Last evaluated: 2025-01-29. Review status: criteria provided, single submitter. Criteria: ACMG Guidelines, 2015. Collection method: clinical testing. Allele origin: germline.
Comment: The KMT2D c.14710C>T variant is predicted to result in premature protein termination (p.Arg4904*). This variant has been reported in individuals with Kabuki syndrome (see, for example: Ng et al. 2010. PubMed ID: 20711175; Bögershausen et al. 2016. PubMed ID: 27302555; Makrythanasis et al. 2013. PubMed ID: 23320472; Squeo et al. 2020. PubMed ID: 32170002). This variant has not been reported in a large population database, indicating this variant is rare. Nonsense variants in KMT2D are expected to be pathogenic. This variant is interpreted as pathogenic.

Labcorp Genetics (formerly Invitae), Labcorp
Classification: Pathogenic for Kabuki syndrome. Last evaluated: 2023-12-22. Review status: criteria provided, single submitter. Criteria: Invitae Variant Classification Sherloc (09022015). Collection method: clinical testing. Allele origin: germline.
Comment: This sequence change creates a premature translational stop signal (p.Arg4904*) in the KMT2D gene. It is expected to result in an absent or disrupted protein product. Loss-of-function variants in KMT2D are known to be pathogenic (PMID: 22126750). This variant is not present in population databases (gnomAD no frequency). This premature translational stop signal has been observed in individual(s) with Kabuki syndrome (PMID: 20711175, 21280141, 23320472, 27302555). ClinVar contains an entry for this variant (Variation ID: 94176). Algorithms developed to predict the effect of sequence changes on RNA splicing suggest that this variant may disrupt the consensus splice site. For these reasons, this variant has been classified as Pathogenic.

Women's Health and Genetics/Laboratory Corporation of America, LabCorp
Classification: Pathogenic for Kabuki syndrome 1. Last evaluated: 2023-08-28. Review status: criteria provided, single submitter. Criteria: LabCorp Variant Classification Summary - May 2015. Collection method: clinical testing. Allele origin: germline.
Comment: Variant summary: MLL2 c.14710C>T (p.Arg4904X) results in a premature termination codon, predicted to cause a truncation of the encoded protein or absence of the protein due to nonsense mediated decay, which are commonly known mechanisms for disease. Variants downstream of this position have been classified as pathogenic in ClinVar. The variant was absent in 222678 control chromosomes (gnomAD). c.14710C>T has been reported in the literature in an individual affected with Kabuki Syndrome (example: Ng_2010). The following publication has been ascertained in the context of this evaluation (PMID: 20711175). Five submitters have cited clinical-significance assessments for this variant to ClinVar after 2014. All submitters classified the variant as pathogenic. Based on the evidence outlined above, the variant was classified as pathogenic.

GeneDx
Classification: Pathogenic. Last evaluated: 2022-04-24. Review status: criteria provided, single submitter. Criteria: GeneDx Variant Classification Process June 2021. Collection method: clinical testing. Allele origin: germline. Affected: yes.
Comment: Not observed at significant frequency in large population cohorts (gnomAD); Nonsense variant predicted to result in protein truncation or nonsense mediated decay in a gene for which loss of function is a known mechanism of disease; This variant is associated with the following publications: (PMID: 20711175, 28884922, 29536651, 23320472, 21280141, 27302555, 32170002, 33518579)

3billion
Classification: Pathogenic for Kabuki syndrome 1. Last evaluated: 2021-10-02. Review status: criteria provided, single submitter. Criteria: ACMG Guidelines, 2015. Collection method: clinical testing. Allele origin: unknown. Affected: yes. Observed: 1 heterozygote.
Comment: Stop-gained (nonsense): predicted to result in a loss or disruption of normal protein function through nonsense-mediated decay (NMD) or protein truncation. Multiple pathogenic variants are reported downstream of the variant (PVS1_VS). It is not observed in the gnomAD v2.1.1 dataset (PM2). The variant has been reported as de novoo in similarly affected individuals (ClinVar ID: VCV000094176.2, PMID: 27302555, PS4_M and PS2). Therefore, this variant is classified as pathogenic according to the recommendation of ACMG/AMP guideline.

Victorian Clinical Genetics Services, Murdoch Childrens Research Institute
Classification: Pathogenic for Kabuki syndrome 1. Last evaluated: 2019-08-28. Review status: criteria provided, single submitter. Criteria: ACMG Guidelines, 2015. Collection method: clinical testing. Allele origin: germline. Inheritance: Autosomal dominant inheritance. Affected: yes.
Comment: A heterozygous nonsense variant was identified, NM_003482.3(KMT2D):c.14710C>T in exon 48 of 54 of the KMT2D gene. This nonsense variant is predicted to create a change of an arginine to a stop at amino acid position 4904 of the protein, NP_003473.3(KMT2D):p.(Arg4904*), resulting in the loss of normal protein function through nonsense-mediated decay (NMD). This variant is not present in the gnomAD population database and it has been previously reported in patients with autosomal dominant Kabuki syndrome (ClinVar, Bögershausen, N. et al., 2016). Other variants predicted to cause NMD have been reported as pathogenic in individuals with this condition (ClinVar; Decipher). Based on information available at the time of curation, this variant has been classified as PATHOGENIC.

Fulgent Genetics
Classification: Pathogenic for Kabuki syndrome 1. Last evaluated: 2018-10-31. Review status: criteria provided, single submitter. Criteria: ACMG Guidelines, 2015. Collection method: clinical testing. Allele origin: unknown.

Genetic Services Laboratory, University of Chicago
Classification: Pathogenic for Kabuki syndrome 1. Last evaluated: 2013-02-08. Review status: criteria provided, single submitter. Criteria: ACMG Guidelines, 2007. Collection method: clinical testing. Allele origin: germline. Inheritance: Autosomal dominant inheritance. Affected: yes.

Autoinflammatory diseases unit, CHU de Montpellier
Classification: Pathogenic for Kabuki syndrome 1. Last evaluated: 2013-10-01. Review status: no assertion criteria provided. Collection method: clinical testing. Allele origin: de novo. Affected: yes. Not counted in ClinVar's aggregate classification.

Literature cited by the submitters: PubMed 22126750 (cited by Labcorp Genetics (formerly Invitae), Labcorp); PubMed 20711175 (cited by Labcorp Genetics (formerly Invitae), Labcorp and Women's Health and Genetics/Laboratory Corporation of America, LabCorp); PubMed 21280141 (cited by Labcorp Genetics (formerly Invitae), Labcorp); PubMed 23320472 (cited by Labcorp Genetics (formerly Invitae), Labcorp); PubMed 27302555 (cited by Labcorp Genetics (formerly Invitae), Labcorp and 3billion).